The following is an entry in ClinVar:

ClinVar aggregate classification (germline): Likely benign. Review status: criteria provided, multiple submitters, no conflicts (2 of 4 stars). 3 submissions from 3 submitters: Likely benign (3). Last evaluated 2026-04-29.

Conditions:
PLEC-related disorder. Also called: PLEC-related disorders; PLEC-related condition.
Epidermolysis bullosa simplex with nail dystrophy (EBS5D). Identifiers: MedGen C4225309, MONDO:0014661, OMIM 616487.
Autosomal recessive limb-girdle muscular dystrophy type 2Q (LGMDR17). Also called: MUSCULAR DYSTROPHY, LIMB-GIRDLE, AUTOSOMAL RECESSIVE 17. Identifiers: Orphanet 254361, MedGen C3150989, MONDO:0013390, OMIM 613723.
Epidermolysis bullosa simplex, Ogna type (EBS5A). Also called: Pidermolysis bullosa simplex 5A, Ogna type; EPIDERMOLYSIS BULLOSA SIMPLEX 5A, OGNA TYPE. Identifiers: Orphanet 79401, MedGen C0432317, MONDO:0007555, OMIM 131950.
Epidermolysis bullosa simplex 5C, with pyloric atresia (EBS5C). Also called: PLEC-Related Epidermolysis Bullosa with Pyloric Atresia; Epidermolysis bullosa simplex with pyloric atresia; PLEC1-Related Epidermolysis Bullosa with Pyloric Atresia. Identifiers: Orphanet 158684, MedGen C2677349, MONDO:0012807, OMIM 612138.
Epidermolysis bullosa simplex 5B, with muscular dystrophy (EBS5B). Also called: EPIDERMOLYSIS BULLOSA SIMPLEX AND LIMB-GIRDLE MUSCULAR DYSTROPHY; Epidermolysis bullosa simplex with muscular dystrophy. Identifiers: Orphanet 257, MedGen C2931072, MONDO:0009181, OMIM 226670.

Allele frequency attached by ClinVar (database versions not stated): gnomAD exomes 0.00002; TOPMed 0.00005; gnomAD 0.00009; ExAC 0.00001.
gnomAD v4.1: 42 of 1,612,810 alleles (0.0026%); highest among the groups gnomAD compares: Admixed American, 0.005%; no homozygotes.

Submissions (3):

PreventionGenetics, part of Exact Sciences
Classification: Likely benign for PLEC-related condition. Last evaluated: 2026-04-29. Review status: criteria provided, single submitter. Criteria: ACMG Guidelines, 2015. Collection method: clinical testing. Allele origin: germline.
Comment: This variant is classified as likely benign based on ACMG/AMP sequence variant interpretation guidelines (Richards et al. 2015 PMID: 25741868, with internal and published modifications).

Labcorp Genetics (formerly Invitae), Labcorp
Classification: Likely benign for Autosomal recessive limb-girdle muscular dystrophy type 2Q; Epidermolysis bullosa simplex, Ogna type; Epidermolysis bullosa simplex with nail dystrophy; Epidermolysis bullosa simplex 5C, with pyloric atresia; Epidermolysis bullosa simplex 5B, with muscular dystrophy. Last evaluated: 2026-01-11. Review status: criteria provided, single submitter. Criteria: Invitae Variant Classification Sherloc (09022015). Collection method: clinical testing. Allele origin: germline.

Mayo Clinic Laboratories, Mayo Clinic
Classification: Likely benign. Last evaluated: 2025-06-09. Review status: criteria provided, single submitter. Criteria: ACMG Guidelines, 2015. Collection method: clinical testing. Allele origin: germline. Observed: 1 variant allele.
Comment: BP4, BP7

NM_201384.3(PLEC):c.567C>T (p.Asp189=)

Gene: PLEC (plectin; minus strand). Cytogenetic location: 8q24.3.
Variant type: single nucleotide variant.
Coding change: c.567C>T on transcript NM_201384.3 (MANE Select); coding-DNA position 567, C replaced by T.
Protein change: p.Asp189=; no amino-acid change (aspartic acid 189 retained).
Molecular consequence: synonymous variant.
Genome position (GRCh38, 1-based): chr8:143,935,883, G>A on the plus strand (C>T on the coding strand, the complement: PLEC is on the minus strand). VCF-style: chr8-143935883-G-A. GRCh37 (hg19) VCF-style: chr8-145010051-G-A.
Other names: p.Asp216=; c.648C>T (NM_000445.4); c.648C>T, p.Asp216= (NM_000445.5); c.525C>T, p.Asp175= (NM_201378.4); c.501C>T, p.Asp167= (NM_201379.3); c.978C>T, p.Asp326= (NM_201380.4); c.471C>T, p.Asp157= (NM_201381.3); c.567C>T, p.Asp189= (NM_201382.4); and 1 more.
Identifiers: ClinVar variation 1119328 (VCV001119328.9), dbSNP rs782104325, ClinGen allele CA4928404.